The following is an entry in ClinVar:

ClinVar aggregate classification (germline): Conflicting classifications of pathogenicity. Review status: criteria provided, conflicting classifications (1 of 4 stars). 4 submissions from 4 submitters: Uncertain significance (3); Likely benign (1). Last evaluated 2025-12-13.

Conditions:
Autosomal recessive severe congenital neutropenia due to CSF3R deficiency. Also called: Neutropenia, severe congenital, 7, autosomal recessive. Identifiers: Orphanet 420702, MedGen C4310764, MONDO:0014865, OMIM 617014.

Allele frequency attached by ClinVar (database versions not stated): ExAC 0.00002; TOPMed 0.00002; gnomAD exomes 0.00003.
gnomAD v4.1: 36 of 1,614,148 alleles (0.0022%); highest among the groups gnomAD compares: Middle Eastern, 0.016%; no homozygotes.

Submissions (4):

Mayo Clinic Laboratories, Mayo Clinic
Classification: Uncertain significance. Last evaluated: 2025-12-13. Review status: criteria provided, single submitter. Criteria: ACMG Guidelines, 2015. Collection method: clinical testing. Allele origin: germline. Observed: 2 variant alleles.
Comment: PM2_supporting

Labcorp Genetics (formerly Invitae), Labcorp
Classification: Uncertain significance for Autosomal recessive severe congenital neutropenia due to CSF3R deficiency. Last evaluated: 2025-03-12. Review status: criteria provided, single submitter. Criteria: Invitae Variant Classification Sherloc (09022015). Collection method: clinical testing. Allele origin: germline.
Comment: This sequence change replaces arginine, which is basic and polar, with histidine, which is basic and polar, at codon 190 of the CSF3R protein (p.Arg190His). This variant is present in population databases (rs754176065, gnomAD 0.006%). This missense change has been observed in individual(s) with congenital neutropenia (PMID: 30028820). ClinVar contains an entry for this variant (Variation ID: 2151870). Invitae Evidence Modeling of protein sequence and biophysical properties (such as structural, functional, and spatial information, amino acid conservation, physicochemical variation, residue mobility, and thermodynamic stability) has been performed for this missense variant. However, the output from this modeling did not meet the statistical confidence thresholds required to predict the impact of this variant on CSF3R protein function. In summary, the available evidence is currently insufficient to determine the role of this variant in disease. Therefore, it has been classified as a Variant of Uncertain Significance.

CeGaT Center for Human Genetics Tuebingen
Classification: Likely benign. Last evaluated: 2024-03-01. Review status: criteria provided, single submitter. Criteria: CeGaT Center For Human Genetics Tuebingen Variant Classification Criteria Version 2. Collection method: clinical testing. Allele origin: germline. Affected: yes. Observed: 1 variant allele.
Comment: CSF3R: BP4

Blueprint Genetics
Classification: Uncertain significance. Last evaluated: 2024-02-06. Review status: criteria provided, single submitter. Criteria: ACMG Guidelines, 2015. Collection method: clinical testing. Allele origin: germline.

Literature cited by the submitters: PubMed 30028820 (cited by Mayo Clinic Laboratories, Mayo Clinic and Labcorp Genetics (formerly Invitae), Labcorp).

NM_000760.4(CSF3R):c.569G>A (p.Arg190His)

Gene: CSF3R (colony stimulating factor 3 receptor; minus strand). Cytogenetic location: 1p34.3.
Variant type: single nucleotide variant.
Coding change: c.569G>A on transcript NM_000760.4 (MANE Select); coding-DNA position 569, G replaced by A.
Protein change: p.Arg190His; replaces arginine 190 with histidine.
Molecular consequence: missense variant.
Genome position (GRCh38, 1-based): chr1:36,473,539, C>T on the plus strand (G>A on the coding strand, the complement: CSF3R is on the minus strand). VCF-style: chr1-36473539-C-T. GRCh37 (hg19) VCF-style: chr1-36939140-C-T.
Other names: p.Arg190His; c.569G>A, p.Arg190His (NM_156039.3, NM_172313.3); short protein forms R190H.
Identifiers: ClinVar variation 2151870 (VCV002151870.26), dbSNP rs754176065, ClinGen allele CA769431.